The following is an entry in ClinVar:

NM_024312.5(GNPTAB):c.310C>T (p.Gln104Ter)

Gene: GNPTAB (N-acetylglucosamine-1-phosphate transferase subunits alpha and beta; minus strand). Cytogenetic location: 12q23.2.
Variant type: single nucleotide variant.
Coding change: c.310C>T on transcript NM_024312.5 (MANE Select); coding-DNA position 310, C replaced by T.
Protein change: p.Gln104Ter; replaces glutamine 104 with a stop codon.
Molecular consequence: nonsense.
Genome position (GRCh38, 1-based): chr12:101,789,951, G>A on the plus strand (C>T on the coding strand, the complement: GNPTAB is on the minus strand). VCF-style: chr12-101789951-G-A. GRCh37 (hg19) VCF-style: chr12-102183729-G-A.
Other names: AY687932:c.310C>T; short protein forms Q104*.
Identifiers: ClinVar variation 2763 (VCV000002763.11), dbSNP rs137852896, ClinGen allele CA340007.
Genomic context (GRCh38, chr12:101,789,951, plus strand): 5'-ACATCGCCACATTACCCATCTGATGTGAAAAAAAAAATCAGTTTTACCTCATTGCTTTCT[G>A]CTCCTCCTCCATCTGTTCTCTGACCTGCTGTAGTTCCTTCAGTAGTTCAAGATCTGTGCC-3'

ClinVar aggregate classification (germline): Pathogenic. Review status: criteria provided, multiple submitters, no conflicts (2 of 4 stars). 4 submissions from 4 submitters: Pathogenic (2). 2 of the submissions do not count toward it. Last evaluated 2025-11-18.

Conditions:
Mucolipidosis type II. Also called: Mucolipidosis 2; ML 2; Inclusion cell disease; Leroy Disease; N-acetylglucosamine 1phosphotransferase deficiency; ML disorder type 2. Identifiers: Orphanet 576, MedGen C2673377, MONDO:0009650, OMIM 252500.
Pseudo-Hurler polydystrophy. Also called: ML IIIA; Mucolipidosis III Alpha/Beta; Type III Mucolipidosis; MUCOLIPIDOSIS IIIA; ML III; ML III ALPHA/BETA. Identifiers: Orphanet 423461, Orphanet 577, MedGen C0033788, MONDO:0018931, OMIM 252600.

Allele frequency attached by ClinVar (database versions not stated): gnomAD 0.00001; TOPMed below 0.00001; ExAC 0.00001.
gnomAD v4.1: 5 of 1,613,756 alleles (0.00031%); highest among the groups gnomAD compares: East Asian, 0.011%; no homozygotes.

Submissions (4):

Natera, Inc.
Classification: Pathogenic for Mucolipidosis type II. Last evaluated: 2025-11-18. Review status: criteria provided, single submitter. Criteria: Natera Variant Classification Schema (03/2026). Collection method: clinical testing. Allele origin: germline.
Comment: The c.310C>T variant in GNPTAB is a nonsense variant predicted to introduce a stop codon at amino acid 104. This variant is expected to result in nonsense mediated decay, truncation, or a dysfunctional protein product. This variant is rare in the general population with a frequency below the threshold expected for the associated phenotype(s). This variant has been observed in one or more individuals affected with the associated recessive disease, as either homozygous or compound heterozygous with a second variant (PMID: 19197337). Given the available evidence, this variant is classified as Pathogenic.

Labcorp Genetics (formerly Invitae), Labcorp
Classification: Pathogenic for Pseudo-Hurler polydystrophy; Mucolipidosis type II. Last evaluated: 2023-11-17. Review status: criteria provided, single submitter. Criteria: Invitae Variant Classification Sherloc (09022015). Collection method: clinical testing. Allele origin: germline.
Comment: This sequence change creates a premature translational stop signal (p.Gln104*) in the GNPTAB gene. It is expected to result in an absent or disrupted protein product. Loss-of-function variants in GNPTAB are known to be pathogenic (PMID: 19617216, 25107912). This variant is not present in population databases (gnomAD no frequency). This premature translational stop signal has been observed in individual(s) with mucolipidosis type II (PMID: 16116615). ClinVar contains an entry for this variant (Variation ID: 2763). For these reasons, this variant has been classified as Pathogenic.

OMIM
Classification: Pathogenic for MUCOLIPIDOSIS II ALPHA/BETA. Last evaluated: 2026-08-21. Review status: no assertion criteria provided. Collection method: literature only. Allele origin: germline. Not counted in ClinVar's aggregate classification.

GeneReviews
Classification: Pathogenic for Mucolipidosis III Alpha/Beta. Last evaluated: 2012-05-10. Review status: no assertion criteria provided. Collection method: curation. Allele origin: unknown. Not counted in ClinVar's aggregate classification.
ClinVar note: Converted during submission from pathologic to Pathogenic.

Literature cited by the submitters: PubMed 19197337 (cited by Natera, Inc.); PubMed 19617216 (cited by Labcorp Genetics (formerly Invitae), Labcorp); PubMed 25107912 (cited by Labcorp Genetics (formerly Invitae), Labcorp); PubMed 16116615 (cited by Labcorp Genetics (formerly Invitae), Labcorp); Paik, K. H., Song, S. M., Ki, C. S., Yu, H.-W., Kim, J. S., Min, K. H., Chang, S. H., Yoo, E. J., Lee, I. J., Kwan, E. K., Han, S. J., Jin, D.-K. Identification of mutations in the GNPTA (MGC4170) gene coding for GlcNAc-phosphotransferase alpha/beta subunits in Korean patients with mucolipidosis type II or type IIIA. Hum. Mutat. 26: 308-314, 2005. (cited by OMIM).